The following is an entry in ClinVar:

NM_002500.5(NEUROD1):c.777C>T (p.Ser259=)

Gene: NEUROD1 (neuronal differentiation 1; minus strand). Cytogenetic location: 2q31.3.
Variant type: single nucleotide variant.
Coding change: c.777C>T on transcript NM_002500.5 (MANE Select); coding-DNA position 777, C replaced by T.
Protein change: p.Ser259=; no amino-acid change (serine 259 retained).
Molecular consequence: synonymous variant.
Genome position (GRCh38, 1-based): chr2:181,678,084, G>A on the plus strand (C>T on the coding strand, the complement: NEUROD1 is on the minus strand). VCF-style: chr2-181678084-G-A. GRCh37 (hg19) VCF-style: chr2-182542811-G-A.
Identifiers: ClinVar variation 258771 (VCV000258771.16), dbSNP rs115027760, ClinGen allele CA2011062.

ClinVar aggregate classification (germline): Likely benign. Review status: criteria provided, multiple submitters, no conflicts (2 of 4 stars). 5 submissions from 5 submitters: Likely benign (3). 2 of the submissions do not count toward it. Last evaluated 2026-01-11.

Conditions:
Maturity-onset diabetes of the young type 6 (MODY6). Identifiers: Orphanet 552, MedGen C1853371, MONDO:0011668, OMIM 606394.

Allele frequency attached by ClinVar (database versions not stated): 1000 Genomes Project 30x 0.00016; gnomAD exomes 0.00030; gnomAD 0.00031 and 0.00033; 1000 Genomes Project 0.00020; ExAC 0.00032; ESP Exome Variant Server 0.00054; TOPMed 0.00035.
gnomAD v4.1: 1,131 of 1,614,212 alleles (0.07%); highest among the groups gnomAD compares: Non-Finnish European, 0.093%; 1 homozygote.

Submissions (5):

Labcorp Genetics (formerly Invitae), Labcorp
Classification: Likely benign. Last evaluated: 2026-01-11. Review status: criteria provided, single submitter. Criteria: Invitae Variant Classification Sherloc (09022015). Collection method: clinical testing. Allele origin: germline.

Illumina Laboratory Services, Illumina
Classification: Likely benign for Maturity-onset diabetes of the young type 6. Last evaluated: 2018-01-13. Review status: criteria provided, single submitter. Criteria: ICSL Variant Classification Criteria 13 December 2019. Collection method: clinical testing. Allele origin: germline.
Comment: This variant was observed in the ICSL laboratory as part of a predisposition screen in an ostensibly healthy population. It had not been previously curated by ICSL or reported in the Human Gene Mutation Database (HGMD: prior to June 1st, 2018), and was therefore a candidate for classification through an automated scoring system. Utilizing variant allele frequency, disease prevalence and penetrance estimates, and inheritance mode, an automated score was calculated to assess if this variant is too frequent to cause the disease. Based on the score and internal cut-off values, a variant classified as likely benign is not then subjected to further curation. The score for this variant resulted in a classification of likely benign for this disease.

PreventionGenetics, part of Exact Sciences
Classification: Likely benign. Review status: criteria provided, single submitter. Criteria: ACMG Guidelines, 2015. Collection method: clinical testing. Allele origin: germline.

Clinical Genetics DNA and cytogenetics Diagnostics Lab, Erasmus MC, Erasmus Medical Center
Classification: Likely benign. Review status: no assertion criteria provided. Collection method: clinical testing. Allele origin: germline. Affected: yes. Study: VKGL Data-share Consensus. Not counted in ClinVar's aggregate classification.

Laboratory of Diagnostic Genome Analysis, Leiden University Medical Center (LUMC)
Classification: Likely benign. Review status: no assertion criteria provided. Collection method: clinical testing. Allele origin: germline. Affected: yes. Study: VKGL Data-share Consensus. Not counted in ClinVar's aggregate classification.